The following is an entry in ClinVar:

NM_017780.4(CHD7):c.5067G>A (p.Val1689=)

Gene: CHD7 (chromodomain helicase DNA binding protein 7; plus strand). Cytogenetic location: 8q12.2.
Variant type: single nucleotide variant.
Coding change: c.5067G>A on transcript NM_017780.4 (MANE Select); coding-DNA position 5067, G replaced by A.
Protein change: p.Val1689=; no amino-acid change (valine 1689 retained).
Molecular consequence: synonymous variant. On other transcripts: intron variant (1).
Genome position (GRCh38, 1-based): chr8:60,845,266, G>A. VCF-style: chr8-60845266-G-A. GRCh37 (hg19) VCF-style: chr8-61757825-G-A.
Other names: c.1717-16963G>A (NM_001316690.1); c.5067G>A (NM_017780.3).
Identifiers: ClinVar variation 1669844 (VCV001669844.10), dbSNP rs912054705, ClinGen allele CA177351217.

ClinVar aggregate classification (germline): Likely benign. Review status: criteria provided, single submitter (1 of 4 stars). 2 submissions from 2 submitters: Likely benign (1). 1 of the submissions does not count toward it. Last evaluated 2025-05-11.

Conditions:
CHARGE syndrome (CHARGE). Also called: Coloboma, heart anomaly, choanal atresia, retardation, genital and ear anomalies; CHARGE association; Hall-Hittner syndrome; Hittner Hirsch Kreh syndrome; CHARGE ASSOCIATION--COLOBOMA, HEART ANOMALY, CHOANAL ATRESIA, RETARDATION, GENITAL AND EAR ANOMALIES. Identifiers: Orphanet 138, MedGen C0265354, MONDO:0008965.
CHD7-related disorder. Also called: CHD7-related condition.

Allele frequency attached by ClinVar (database versions not stated): gnomAD exomes below 0.00001; gnomAD 0.00001; TOPMed 0.00001.
gnomAD v4.1: 3 of 1,612,240 alleles (0.00019%); highest among the groups gnomAD compares: African/African-American, 0.004%; no homozygotes.

Submissions (2):

Labcorp Genetics (formerly Invitae), Labcorp
Classification: Likely benign for CHARGE syndrome. Last evaluated: 2025-05-11. Review status: criteria provided, single submitter. Criteria: Invitae Variant Classification Sherloc (09022015). Collection method: clinical testing. Allele origin: germline.

PreventionGenetics, part of Exact Sciences
Classification: Likely benign for CHD7-related condition. Last evaluated: 2021-08-03. Review status: no assertion criteria provided. Collection method: clinical testing. Allele origin: germline. Not counted in ClinVar's aggregate classification.
Comment: This variant is classified as likely benign based on ACMG/AMP sequence variant interpretation guidelines (Richards et al. 2015 PMID: 25741868, with internal and published modifications).